The following is an entry in ClinVar:

ClinVar aggregate classification (germline): Uncertain significance (1 of 4 stars; one submission).

Allele frequency attached by ClinVar (database versions not stated): gnomAD 0.00001; gnomAD exomes 0.00002 and 0.00003; TOPMed 0.00002; ExAC 0.00004.
gnomAD v4.1: 49 of 1,613,992 alleles (0.003%); highest among the groups gnomAD compares: South Asian, 0.0088%; 1 homozygote.

Submission:

Labcorp Genetics (formerly Invitae), Labcorp
Classification: Uncertain significance. Last evaluated: 2024-10-08. Review status: criteria provided, single submitter. Criteria: Invitae Variant Classification Sherloc (09022015). Collection method: clinical testing. Allele origin: germline.
Comment: This sequence change replaces alanine, which is neutral and non-polar, with valine, which is neutral and non-polar, at codon 171 of the FCHO1 protein (p.Ala171Val). This variant is present in population databases (rs749006465, gnomAD 0.01%), including at least one homozygous and/or hemizygous individual. This variant has not been reported in the literature in individuals affected with FCHO1-related conditions. ClinVar contains an entry for this variant (Variation ID: 1501857). An algorithm developed to predict the effect of missense changes on protein structure and function (PolyPhen-2) suggests that this variant is likely to be disruptive. In summary, the available evidence is currently insufficient to determine the role of this variant in disease. Therefore, it has been classified as a Variant of Uncertain Significance.

NM_015122.3(FCHO1):c.512C>T (p.Ala171Val)

Gene: FCHO1 (FCH and mu domain containing endocytic adaptor 1; plus strand). Cytogenetic location: 19p13.11.
Variant type: single nucleotide variant.
Coding change: c.512C>T on transcript NM_015122.3 (MANE Select); coding-DNA position 512, C replaced by T.
Protein change: p.Ala171Val; replaces alanine 171 with valine.
Molecular consequence: missense variant. On other transcripts: non-coding transcript variant (36).
Genome position (GRCh38, 1-based): chr19:17,770,814, C>T. VCF-style: chr19-17770814-C-T. GRCh37 (hg19) VCF-style: chr19-17881623-C-T.
Other names: c.512C>T, p.Ala171Val (NM_001161357.2, NM_001161358.2, NM_001384370.1 and 26 more transcripts); c.362C>T, p.Ala121Val (NM_001161359.2, NM_001384384.1, NM_001384385.1 and 3 more transcripts); c.473C>T, p.Ala158Val (NM_001384388.1, NM_001384389.1, NM_001384405.1); c.437C>T, p.Ala146Val (NM_001384390.1); short protein forms A158V, A121V, A146V, A171V.
Identifiers: ClinVar variation 1501857 (VCV001501857.7), dbSNP rs749006465, ClinGen allele CA9300136.
Genomic context (GRCh38, chr19:17,770,814, plus strand): 5'-TCGCCCTCCCATCCCCGTTTCCTCCCTGTGCTTTGTAGGCGGAGACTAAAACCAAGAAGG[C>T]GGCAGAGAGCCTGCGGCGCTCAGTGGAAAAATACAACTCAGCCCGAGCTGACTTTGAGCA-3'
Protein context (NP_055937.1, residues 161-181): MDKAETKTKK[Ala171Val]AESLRRSVEK